The following is an entry in ClinVar:

ClinVar aggregate classification (germline): Likely benign. Review status: criteria provided, multiple submitters, no conflicts (2 of 4 stars). 2 submissions from 2 submitters: Likely benign (2). Last evaluated 2026-06-01.

Conditions:
Cataract 21 multiple types. Also called: CATARACT 21, MULTIPLE TYPES, WITH MICROCORNEA; CATARACT 21, MULTIPLE TYPES, WITH OR WITHOUT MICROCORNEA; CATARACT 21, CERULEAN, WITH OR WITHOUT MICROCORNEA; Cataract, congenital, cerulean type, 4. Identifiers: Orphanet 91492, MedGen C1857768, MONDO:0012437, OMIM 610202.
Ayme-Gripp syndrome. Also called: Aymé-Gripp Syndrome. Identifiers: MedGen C1832812, MONDO:0010992, OMIM 601088.

Submissions (2):

CeGaT Center for Human Genetics Tuebingen
Classification: Likely benign. Last evaluated: 2026-06-01. Review status: criteria provided, single submitter. Criteria: CeGaT Center For Human Genetics Tuebingen Variant Classification Criteria Version 2. Collection method: clinical testing. Allele origin: germline. Affected: yes. Observed: 1 variant allele.
Comment: MAF: BS1

Labcorp Genetics (formerly Invitae), Labcorp
Classification: Likely benign for Cataract 21 multiple types; Ayme-Gripp syndrome. Last evaluated: 2026-01-24. Review status: criteria provided, single submitter. Criteria: Invitae Variant Classification Sherloc (09022015). Collection method: clinical testing. Allele origin: germline.

NM_005360.5(MAF):c.678CGG[6] (p.Gly237_Gly238del)

Gene: MAF (MAF bZIP transcription factor; minus strand). Cytogenetic location: 16q23.2.
Variant type: Microsatellite.
Coding change: c.678CGG[6] on transcript NM_005360.5 (MANE Select); six copies in a row of the 3-base unit CGG starting at c.678; the reference has eight copies in a row; two copies, 6 bases deleted.
Protein change: p.Gly237_Gly238del.
Molecular consequence: inframe deletion.
Genome position (GRCh38, 1-based): chr16:79,599,202-79,599,207, CCGCCG deleted on the plus strand (CGGCGG on the coding strand, the reverse complement: MAF is on the minus strand); deleting any 6 consecutive bases within chr16:79,599,202-79,599,227 gives the same sequence; the position shown is the placement nearest the transcript's 3' end. VCF-style (leftmost placement, unchanged base first): chr16-79599201-TCCGCCG-T. GRCh37 (hg19) VCF-style: chr16-79633098-TCCGCCG-T.
Other names: c.678CGG[6], p.Gly237_Gly238del (NM_001031804.3).
Identifiers: ClinVar variation 2941594 (VCV002941594.5), dbSNP rs887468453, ClinGen allele CA284128340.